The following is an entry in ClinVar:

ClinVar aggregate classification (germline): Uncertain significance. Review status: criteria provided, multiple submitters, no conflicts (2 of 4 stars). 3 submissions from 3 submitters: Uncertain significance (3). Last evaluated 2025-08-31.

Conditions:
Inborn genetic diseases. Identifiers: MedGen C0950123, MeSH D030342.

Allele frequency attached by ClinVar (database versions not stated): TOPMed 0.00002.
gnomAD v4.1: 6 of 1,614,042 alleles (0.00037%); highest among the groups gnomAD compares: Middle Eastern, 0.016%; no homozygotes.

Submissions (3):

Ambry Genetics
Classification: Uncertain significance for Inborn genetic diseases. Last evaluated: 2025-08-31. Review status: criteria provided, single submitter. Criteria: Ambry Variant Classification Scheme 2023. Collection method: clinical testing. Allele origin: germline.

Blueprint Genetics
Classification: Uncertain significance. Last evaluated: 2024-11-07. Review status: criteria provided, single submitter. Criteria: ACMG Guidelines, 2015. Collection method: clinical testing. Allele origin: germline.

Labcorp Genetics (formerly Invitae), Labcorp
Classification: Uncertain significance. Last evaluated: 2022-06-15. Review status: criteria provided, single submitter. Criteria: Invitae Variant Classification Sherloc (09022015). Collection method: clinical testing. Allele origin: germline.
Comment: This sequence change replaces glutamic acid, which is acidic and polar, with aspartic acid, which is acidic and polar, at codon 341 of the CNGA1 protein (p.Glu341Asp). This variant is not present in population databases (gnomAD no frequency). This variant has not been reported in the literature in individuals affected with CNGA1-related conditions. Algorithms developed to predict the effect of missense changes on protein structure and function output the following: SIFT: "Tolerated"; PolyPhen-2: "Benign"; Align-GVGD: "Class C0". The aspartic acid amino acid residue is found in multiple mammalian species, which suggests that this missense change does not adversely affect protein function. In summary, the available evidence is currently insufficient to determine the role of this variant in disease. Therefore, it has been classified as a Variant of Uncertain Significance.

NM_001379270.1(CNGA1):c.1011A>C (p.Glu337Asp)

Genes: CNGA1 (cyclic nucleotide gated channel subunit alpha 1; minus strand), LOC101927157 (uncharacterized LOC101927157; plus strand). Cytogenetic location: 4p12.
Variant type: single nucleotide variant.
Coding change: c.1011A>C on transcript NM_001379270.1 (MANE Select); coding-DNA position 1011, A replaced by C.
Protein change: p.Glu337Asp; replaces glutamic acid 337 with aspartic acid.
Molecular consequence: missense variant.
Genome position (GRCh38, 1-based): chr4:47,937,471, T>G on the plus strand (A>C on the coding strand, the complement: CNGA1 is on the minus strand). VCF-style: chr4-47937471-T-G. GRCh37 (hg19) VCF-style: chr4-47939488-T-G.
Other names: c.1023A>C (NM_000087.3); c.1011A>C, p.Glu337Asp (NM_000087.5, NM_001142564.2); short protein forms E337D.
Identifiers: ClinVar variation 1463750 (VCV001463750.5), dbSNP rs772091709, ClinGen allele CA96689168.